The following is an entry in ClinVar:

ClinVar aggregate classification (germline): Conflicting classifications of pathogenicity. Review status: criteria provided, conflicting classifications (1 of 4 stars). 4 submissions from 3 submitters: Uncertain significance (1); Benign (1); Likely benign (2). Last evaluated 2025-07-30.

Conditions:
Neuronopathy, distal hereditary motor, type 7B. Also called: Distal Hereditary Motor Neuronopathy Type 7B (dHMN7B); NEURONOPATHY, DISTAL HEREDITARY MOTOR, AUTOSOMAL DOMINANT 14; NEURONOPATHY, DISTAL HEREDITARY MOTOR, HARDING TYPE VIIB; NEUROPATHY, DISTAL HEREDITARY MOTOR, HARDING TYPE VIIB; NEUROPATHY, DISTAL HEREDITARY MOTOR, WITH VOCAL CORD PARALYSIS, HARDING TYPE VIIB; HMN VIIB. Identifiers: Orphanet 139589, MedGen C1843315, MONDO:0011879, OMIM 607641.
Perry syndrome. Also called: PARKINSONISM WITH ALVEOLAR HYPOVENTILATION AND MENTAL DEPRESSION. Identifiers: Orphanet 178509, MedGen C1868594, MONDO:0008201, OMIM 168605.
Amyotrophic lateral sclerosis type 1 (ALS1). Also called: AMYOTROPHIC LATERAL SCLEROSIS 1, FAMILIAL. Identifiers: Orphanet 803, MedGen C1862939, MONDO:0007103, OMIM 105400.

Allele frequency attached by ClinVar (database versions not stated): TOPMed 0.00006; ESP Exome Variant Server 0.00008; gnomAD 0.00009 and 0.00010; ExAC 0.00011; gnomAD exomes 0.00012 and 0.00013.

Submissions (4):

Labcorp Genetics (formerly Invitae), Labcorp
Classification: Likely benign for Amyotrophic lateral sclerosis type 1; Neuronopathy, distal hereditary motor, type 7B; Perry syndrome. Last evaluated: 2025-07-30. Review status: criteria provided, single submitter. Criteria: Invitae Variant Classification Sherloc (09022015). Collection method: clinical testing. Allele origin: germline.

CeGaT Center for Human Genetics Tuebingen
Classification: Uncertain significance. Last evaluated: 2023-06-01. Review status: criteria provided, single submitter. Criteria: CeGaT Center For Human Genetics Tuebingen Variant Classification Criteria Version 2. Collection method: clinical testing. Allele origin: germline. Affected: yes. Observed: 1 variant allele.

Illumina Laboratory Services, Illumina
Classification: Benign for Perry syndrome. Last evaluated: 2018-01-13. Review status: criteria provided, single submitter. Criteria: ICSL Variant Classification Criteria 13 December 2019. Collection method: clinical testing. Allele origin: germline.
Comment: This variant was observed in the ICSL laboratory as part of a predisposition screen in an ostensibly healthy population. It had not been previously curated by ICSL or reported in the Human Gene Mutation Database (HGMD: prior to June 1st, 2018), and was therefore a candidate for classification through an automated scoring system. Utilizing variant allele frequency, disease prevalence and penetrance estimates, and inheritance mode, an automated score was calculated to assess if this variant is too frequent to cause the disease. Based on the score and internal cut-off values, a variant classified as benign is not then subjected to further curation. The score for this variant resulted in a classification of benign for this disease.

Illumina Laboratory Services, Illumina
Classification: Likely benign for Neuronopathy, distal hereditary motor, type 7B. Last evaluated: 2018-01-13. Review status: criteria provided, single submitter. Criteria: ICSL Variant Classification Criteria 13 December 2019. Collection method: clinical testing. Allele origin: germline.
Comment: This variant was observed in the ICSL laboratory as part of a predisposition screen in an ostensibly healthy population. It had not been previously curated by ICSL or reported in the Human Gene Mutation Database (HGMD: prior to June 1st, 2018), and was therefore a candidate for classification through an automated scoring system. Utilizing variant allele frequency, disease prevalence and penetrance estimates, and inheritance mode, an automated score was calculated to assess if this variant is too frequent to cause the disease. Based on the score and internal cut-off values, a variant classified as likely benign is not then subjected to further curation. The score for this variant resulted in a classification of likely benign for this disease.

NM_004082.5(DCTN1):c.788G>T (p.Ser263Ile)

Gene: DCTN1 (dynactin subunit 1; minus strand). Cytogenetic location: 2p13.1.
Variant type: single nucleotide variant.
Coding change: c.788G>T on transcript NM_004082.5 (MANE Select); coding-DNA position 788, G replaced by T.
Protein change: p.Ser263Ile; replaces serine 263 with isoleucine.
Molecular consequence: missense variant. On other transcripts: non-coding transcript variant (1).
Genome position (GRCh38, 1-based): chr2:74,371,034, C>A on the plus strand (G>T on the coding strand, the complement: DCTN1 is on the minus strand). VCF-style: chr2-74371034-C-A. GRCh37 (hg19) VCF-style: chr2-74598161-C-A.
Other names: c.728G>T, p.Ser243Ile (NM_001135040.3); c.386G>T, p.Ser129Ile (NM_001135041.3, NM_023019.4); c.677G>T, p.Ser226Ile (NM_001190836.2); c.767G>T, p.Ser256Ile (NM_001190837.2); c.737G>T, p.Ser246Ile (NM_001378991.1); c.719G>T, p.Ser240Ile (NM_001378992.1); short protein forms S226I, S129I, S263I, S256I, S243I, S240I, S246I.
Identifiers: ClinVar variation 468279 (VCV000468279.42), dbSNP rs368273709, ClinGen allele CA1722324.